The following is an entry in ClinVar:

NM_001267550.2(TTN):c.80160T>G (p.Ile26720Met)

Genes: TTN (titin; minus strand), TTN-AS1 (TTN antisense RNA 1; plus strand). Cytogenetic location: 2q31.2.
Variant type: single nucleotide variant.
Coding change: c.80160T>G on transcript NM_001267550.2 (MANE Select); coding-DNA position 80160, T replaced by G.
Protein change: p.Ile26720Met; replaces isoleucine 26720 with methionine.
Molecular consequence: missense variant.
Genome position (GRCh38, 1-based): chr2:178,565,972, A>C on the plus strand (T>G on the coding strand, the complement: TTN is on the minus strand). VCF-style: chr2-178565972-A-C. GRCh37 (hg19) VCF-style: chr2-179430699-A-C.
Other names: p.Ile25079Met; c.75237T>G, p.Ile25079Met (NM_001256850.1); c.52965T>G, p.Ile17655Met (NM_003319.4); c.72456T>G, p.Ile24152Met (NM_133378.4); c.53340T>G, p.Ile17780Met (NM_133432.3); c.53541T>G, p.Ile17847Met (NM_133437.4); short protein forms I17655M, I17780M, I17847M, I24152M, I25079M, I26720M.
Identifiers: ClinVar variation 1174815 (VCV001174815.36), dbSNP rs376363284, ClinGen allele CA1989384.
Genomic context (GRCh38, chr2:178,565,972, plus strand): 5'-TGTTTTGCTGCATTTACTACTCACATTAGCATACGCTTTTCTGGTTGACTCACGTTTGTC[A>C]ATCACATAGTTCTTGACCTTTGCCCCTCCATCAATGATGGGTGGCTCCCATACCAGGAAG-3'
Protein context (NP_001254479.2, residues 26710-26730): DGGAKVKNYV[Ile26720Met]DKRESTRKAY

ClinVar aggregate classification (germline): Conflicting classifications of pathogenicity. Review status: criteria provided, conflicting classifications (1 of 4 stars). 11 submissions from 11 submitters: Uncertain significance (6); Likely benign (1). 4 of the submissions do not count toward it. Last evaluated 2024-07-31.

Conditions:
Cardiovascular phenotype. Identifiers: MedGen CN230736.

Allele frequency attached by ClinVar (database versions not stated): ExAC 0.00004; gnomAD exomes 0.00004; TOPMed 0.00008; gnomAD 0.00011 and 0.00012; ESP Exome Variant Server 0.00017.
gnomAD v4.1: 147 of 1,613,486 alleles (0.0091%); highest among the groups gnomAD compares: Non-Finnish European, 0.011%; no homozygotes.

Submissions (11):

Blueprint Genetics
Classification: Uncertain significance. Last evaluated: 2024-07-31. Review status: criteria provided, single submitter. Criteria: ACMG Guidelines, 2015. Collection method: clinical testing. Allele origin: germline.

CeGaT Center for Human Genetics Tuebingen
Classification: Uncertain significance. Last evaluated: 2024-04-01. Review status: criteria provided, single submitter. Criteria: CeGaT Center For Human Genetics Tuebingen Variant Classification Criteria Version 2. Collection method: clinical testing. Allele origin: germline. Affected: yes. Observed: 1 variant allele.
Comment: TTN: PM2

Revvity Omics, Revvity
Classification: Uncertain significance. Last evaluated: 2023-12-01. Review status: criteria provided, single submitter. Criteria: ACMG Guidelines, 2015. Collection method: clinical testing. Allele origin: germline.

Mayo Clinic Laboratories, Mayo Clinic
Classification: Uncertain significance. Last evaluated: 2023-10-23. Review status: criteria provided, single submitter. Criteria: ACMG Guidelines, 2015. Collection method: clinical testing. Allele origin: germline. Observed: 1 variant allele.
Comment: BP5

Women's Health and Genetics/Laboratory Corporation of America, LabCorp
Classification: Uncertain significance. Last evaluated: 2022-04-18. Review status: criteria provided, single submitter. Criteria: LabCorp Variant Classification Summary - May 2015. Collection method: clinical testing. Allele origin: germline.
Comment: Variant summary: TTN c.72456T>G (p.Ile24152Met) results in a conservative amino acid change located in the A-band domain of the encoded protein sequence. Three of five in-silico tools predict a damaging effect of the variant on protein function. The variant allele was found at a frequency of 3.6e-05 in 248392 control chromosomes. The available data on variant occurrences in the general population are insufficient to allow any conclusion about variant significance. c.72456T>G has been reported in the literature in individuals affected with Hypertrophic Cardiomyopathy (vanLint_2019). The report does not provide unequivocal conclusions about association of the variant with Dilated Cardiomyopathy. To our knowledge, no experimental evidence demonstrating an impact on protein function has been reported. Four ClinVar submitters (evaluation after 2014) cite the variant as uncertain significance. Based on the evidence outlined above, the variant was classified as uncertain significance.

Ambry Genetics
Classification: Uncertain significance for Cardiovascular phenotype. Last evaluated: 2020-01-07. Review status: criteria provided, single submitter. Criteria: Ambry Variant Classification Scheme 2023. Collection method: clinical testing. Allele origin: germline.
Comment: The p.I17655M variant (also known as c.52965T>G), located in coding exon 153 of the TTN gene, results from a T to G substitution at nucleotide position 52965. The isoleucine at codon 17655 is replaced by methionine, an amino acid with highly similar properties. This amino acid position is well conserved in available vertebrate species. In addition, this alteration is predicted to be tolerated by in silico analysis. Since supporting evidence is limited at this time, the clinical significance of this alteration remains unclear.

GeneDx
Classification: Likely benign. Last evaluated: 2019-04-18. Review status: criteria provided, single submitter. Criteria: GeneDx Variant Classification Process June 2021. Collection method: clinical testing. Allele origin: germline. Affected: yes.
Comment: See Variant Classification Assertion Criteria.

Clinical Genetics DNA and cytogenetics Diagnostics Lab, Erasmus MC, Erasmus Medical Center
Classification: Uncertain significance. Review status: no assertion criteria provided. Collection method: clinical testing. Allele origin: germline. Affected: yes. Study: VKGL Data-share Consensus. Not counted in ClinVar's aggregate classification.

Clinical Genetics, Academic Medical Center
Classification: Uncertain significance. Review status: no assertion criteria provided. Collection method: clinical testing. Allele origin: germline. Affected: yes. Study: VKGL Data-share Consensus. Not counted in ClinVar's aggregate classification.

Diagnostic Laboratory, Department of Genetics, University Medical Center Groningen
Classification: Uncertain significance. Review status: no assertion criteria provided. Collection method: clinical testing. Allele origin: germline. Affected: yes. Study: VKGL Data-share Consensus. Not counted in ClinVar's aggregate classification.

Joint Genome Diagnostic Labs from Nijmegen and Maastricht, Radboudumc and MUMC+
Classification: Uncertain significance. Review status: no assertion criteria provided. Collection method: clinical testing. Allele origin: germline. Affected: yes. Study: VKGL Data-share Consensus. Not counted in ClinVar's aggregate classification.

Literature cited by the submitters: PubMed 30847666 (cited by Mayo Clinic Laboratories, Mayo Clinic and Women's Health and Genetics/Laboratory Corporation of America, LabCorp).